The following is an entry in ClinVar:

NM_001754.5(RUNX1):c.1228_1231dup (p.Ala411fs)

Gene: RUNX1 (RUNX family transcription factor 1; minus strand). Cytogenetic location: 21q22.12.
Variant type: Duplication.
Coding change: c.1228_1231dup on transcript NM_001754.5 (MANE Select); coding-DNA positions 1228 to 1231, 4 bases duplicated (TCGG; older notation c.1228_1231dupTCGG).
Protein change: p.Ala411fs; shifts the reading frame from alanine 411.
Molecular consequence: frameshift variant.
Genome position (GRCh38, 1-based): chr21:34,792,347-34,792,350, CCGA duplicated on the plus strand (TCGG on the coding strand, the reverse complement: RUNX1 is on the minus strand). VCF-style (leftmost placement, unchanged base first): chr21-34792346-G-GCCGA. GRCh37 (hg19) VCF-style: chr21-36164643-G-GCCGA.
Other names: NM_001754.5(RUNX1):c.1228_1231dup; p.Ala411fs; c.1147_1150dup, p.Ala384fs (NM_001001890.3); c.1228_1231dupTCGG (NM_001754.4); short protein forms A384fs, A411fs.
Identifiers: ClinVar variation 561224 (VCV000561224.5), dbSNP rs1569002077, ClinGen allele CA658824657.
Genomic context (GRCh38, chr21:34,792,346, plus strand): 5'-GGCGGCAGGATGCGCGGCGGCGAGCGCTCGCCGCCCACCATGGAGAACTGGTAGGAGCCG[G>GCCGA]CCGAGGCGCCGTAGTACAGGTGGTAGGAGGGCGAGCTGGCTTGGAACGGGCCTCCCTGCG-3'

ClinVar aggregate classification (germline): Likely pathogenic. Review status: reviewed by expert panel (3 of 4 stars). 2 submissions from 2 submitters: Likely pathogenic (1). 1 of the submissions does not count toward it. Last evaluated 2026-10-02.

Conditions:
Hereditary thrombocytopenia and hematologic cancer predisposition syndrome. Identifiers: Orphanet 71290, MedGen CN281654, MONDO:0011071.

Submissions (2):

ClinGen Myeloid Malignancy Variant Curation Expert Panel
Classification: Likely pathogenic for Hereditary thrombocytopenia and hematologic cancer predisposition syndrome. Last evaluated: 2026-10-02. Review status: reviewed by expert panel. Criteria: ClinGen MyeloMalig ACMG Specifications V3.1. Collection method: curation. Allele origin: germline. Inheritance: Autosomal dominant inheritance.
Comment: NM_001754.5(RUNX1):c.1228_1231dup (p.Ala411ValfsTer?) is a frameshift variant which is not predicted to undergo NMD (PVS1_Strong). This variant is downstream of c.98 (PM5_Supporting) and is completely absent from all population databases with at least 20x coverage for RUNX1 (PM2_Supporting). In summary, this variant meets criteria to be classified as likely pathogenic. ACMG/AMP criteria applied, as specified by the Myeloid Malignancy Variant Curation Expert Panel for RUNX1: PVS1_Strong, PM5_Supporting, PM2_Supporting.

PreventionGenetics, part of Exact Sciences
Classification: Likely pathogenic. Last evaluated: 2015-06-25. Review status: criteria provided, single submitter. Criteria: ACMG Guidelines, 2015. Collection method: clinical testing. Allele origin: germline. Not counted in ClinVar's aggregate classification.